The following is an entry in ClinVar:

NM_000059.4(BRCA2):c.4215T>A (p.Asn1405Lys)

Gene: BRCA2 (BRCA2 DNA repair associated; plus strand). Cytogenetic location: 13q13.1.
Variant type: single nucleotide variant.
Coding change: c.4215T>A on transcript NM_000059.4 (MANE Select); coding-DNA position 4215, T replaced by A.
Protein change: p.Asn1405Lys; replaces asparagine 1405 with lysine.
Molecular consequence: missense variant. On other transcripts: non-coding transcript variant (1), intron variant (2).
Genome position (GRCh38, 1-based): chr13:32,338,570, T>A. VCF-style: chr13-32338570-T-A. GRCh37 (hg19) VCF-style: chr13-32912707-T-A.
Other names: p.Asn1405Lys; c.4215T>A, p.Asn1405Lys (NM_001406719.1, NM_001406720.1); c.1909+5183T>A (NM_001406721.1); c.425-5988T>A (NM_001406722.1); short protein forms N1405K.
Identifiers: ClinVar variation 2681826 (VCV002681826.2), dbSNP rs2548527896, ClinGen allele CA387780275.

ClinVar aggregate classification (germline): Conflicting classifications of pathogenicity. Review status: criteria provided, conflicting classifications (1 of 4 stars). 2 submissions from 2 submitters: Uncertain significance (1); Likely benign (1). Last evaluated 2025-10-13.

Submissions (2):

Mayo Clinic Laboratories, Mayo Clinic
Classification: Likely benign. Last evaluated: 2025-10-13. Review status: criteria provided, single submitter. Criteria: ACMG Guidelines, 2015. Collection method: clinical testing. Allele origin: germline. Observed: 1 variant allele.
Comment: BP1_strong, PM2_supporting

Quest Diagnostics Nichols Institute San Juan Capistrano
Classification: Uncertain significance. Last evaluated: 2022-10-27. Review status: criteria provided, single submitter. Criteria: Quest Diagnostics criteria. Collection method: clinical testing. Allele origin: unknown.
Comment: This variant has not been described in online databases, and to the best of our knowledge, has not been reported in individuals with BRCA2-related conditions in the published literature. It also has not been reported in large, multi-ethnic general populations. Analysis of this variant using bioinformatics tools for the prediction of the effect of amino acid changes on protein structure and function yielded predictions that this variant is benign. Based on the available information, we are unable to determine the clinical significance of this variant.